The following is an entry in ClinVar:

ClinVar aggregate classification (germline): Likely pathogenic (1 of 4 stars; one submission).

Submission:

Labcorp Genetics (formerly Invitae), Labcorp
Classification: Likely pathogenic. Last evaluated: 2021-08-24. Review status: criteria provided, single submitter. Criteria: Invitae Variant Classification Sherloc (09022015). Collection method: clinical testing. Allele origin: germline.
Comment: In summary, the currently available evidence indicates that the variant is pathogenic, but additional data are needed to prove that conclusively. Therefore, this variant has been classified as Likely Pathogenic. This variant has not been reported in the literature in individuals affected with DNAH9-related conditions. This variant results in the deletion of exon 26 and part of exon 25 (c.5160_5552+6642del) of the DNAH9 gene. It is expected to disrupt RNA splicing. Variants that disrupt the donor or acceptor splice site typically lead to a loss of protein function (PMID: 16199547), and loss-of-function variants in DNAH9 are known to be pathogenic (PMID: 30471718).

Literature cited by the submitters: PubMed 16199547; PubMed 30471718.

NC_000017.10:g.(?_11607527)_(11615143_?)del

Gene: DNAH9 (dynein axonemal heavy chain 9; plus strand). Cytogenetic location: 17p12.
Variant type: Deletion.
Identifiers: ClinVar variation 1505475 (VCV001505475.4).